The following is an entry in ClinVar:

NM_001270508.2(TNFAIP3):c.1716_1728del (p.Ser573fs)

Gene: TNFAIP3 (TNF alpha induced protein 3; plus strand). Cytogenetic location: 6q23.3.
Variant type: Deletion.
Coding change: c.1716_1728del on transcript NM_001270508.2 (MANE Select); coding-DNA positions 1716 to 1728, 13 bases deleted (GAGCCCCTCCCCG).
Protein change: p.Ser573fs; shifts the reading frame from serine 573.
Molecular consequence: frameshift variant.
Genome position (GRCh38, 1-based): chr6:137,879,161-137,879,173, GAGCCCCTCCCCG deleted; deleting any 13 consecutive bases within chr6:137,879,158-137,879,173 gives the same sequence; the c. name uses the placement nearest the transcript's 3' end. VCF-style (leftmost placement, unchanged base first): chr6-137879157-TCCGGAGCCCCTCC-T. GRCh37 (hg19) VCF-style: chr6-138200294-TCCGGAGCCCCTCC-T.
Other names: c.1716_1728del, p.Ser573fs (NM_001270507.2, NM_006290.4); short protein forms S573fs.
Identifiers: ClinVar variation 3663583 (VCV003663583.2).

ClinVar aggregate classification (germline): Pathogenic (1 of 4 stars; one submission).

Submission:

Labcorp Genetics (formerly Invitae), Labcorp
Classification: Pathogenic. Last evaluated: 2024-08-27. Review status: criteria provided, single submitter. Criteria: Invitae Variant Classification Sherloc (09022015). Collection method: clinical testing. Allele origin: germline.
Comment: This sequence change creates a premature translational stop signal (p.Ser573Ilefs*120) in the TNFAIP3 gene. While this is not anticipated to result in nonsense mediated decay, it is expected to disrupt the last 218 amino acid(s) of the TNFAIP3 protein. This variant is not present in population databases (gnomAD no frequency). This variant has not been reported in the literature in individuals affected with TNFAIP3-related conditions. This variant disrupts a region of the TNFAIP3 protein in which other variant(s) (p.Gly583Glu) have been determined to be pathogenic (internal data). This suggests that this is a clinically significant region of the protein, and that variants that disrupt it are likely to be disease-causing. For these reasons, this variant has been classified as Pathogenic.